The following is an entry in ClinVar:

NM_001205293.3(CACNA1E):c.6296G>A (p.Arg2099His)

Gene: CACNA1E (calcium voltage-gated channel subunit alpha1 E; plus strand). Cytogenetic location: 1q25.3.
Variant type: single nucleotide variant.
Coding change: c.6296G>A on transcript NM_001205293.3 (MANE Select); coding-DNA position 6296, G replaced by A.
Protein change: p.Arg2099His; replaces arginine 2099 with histidine.
Molecular consequence: missense variant.
Genome position (GRCh38, 1-based): chr1:181,796,755, G>A. VCF-style: chr1-181796755-G-A. GRCh37 (hg19) VCF-style: chr1-181765891-G-A.
Other names: c.6167G>A, p.Arg2056His (NM_000721.4); c.6110G>A, p.Arg2037His (NM_001205294.2); short protein forms R2037H, R2056H, R2099H.
Identifiers: ClinVar variation 1326394 (VCV001326394.9), dbSNP rs1558404790, ClinGen allele CA343633396.

ClinVar aggregate classification (germline): Uncertain significance. Review status: criteria provided, multiple submitters, no conflicts (2 of 4 stars). 3 submissions from 3 submitters: Uncertain significance (3). Last evaluated 2024-05-23.

Conditions:
Developmental and epileptic encephalopathy, 69. Also called: EPILEPTIC ENCEPHALOPATHY, EARLY INFANTILE, 69. Identifiers: MedGen C4748988, MONDO:0032657, OMIM 618285.

Allele frequency attached by ClinVar (database versions not stated): gnomAD exomes below 0.00001; gnomAD 0.00001.
gnomAD v4.1: 5 of 1,613,024 alleles (0.00031%); highest among the groups gnomAD compares: Non-Finnish European, 0.00042%; no homozygotes.

Submissions (3):

Labcorp Genetics (formerly Invitae), Labcorp
Classification: Uncertain significance. Last evaluated: 2024-05-23. Review status: criteria provided, single submitter. Criteria: Invitae Variant Classification Sherloc (09022015). Collection method: clinical testing. Allele origin: germline.
Comment: This sequence change replaces arginine, which is basic and polar, with histidine, which is basic and polar, at codon 2056 of the CACNA1E protein (p.Arg2056His). This variant is not present in population databases (gnomAD no frequency). This missense change has been observed in individual(s) with clinical features of early infantile epileptic encephalopathy (Invitae). ClinVar contains an entry for this variant (Variation ID: 1326394). Advanced modeling of protein sequence and biophysical properties (such as structural, functional, and spatial information, amino acid conservation, physicochemical variation, residue mobility, and thermodynamic stability) has been performed at Invitae for this missense variant, however the output from this modeling did not meet the statistical confidence thresholds required to predict the impact of this variant on CACNA1E protein function. In summary, the available evidence is currently insufficient to determine the role of this variant in disease. Therefore, it has been classified as a Variant of Uncertain Significance.

Genome-Nilou Lab
Classification: Uncertain significance for Developmental and epileptic encephalopathy, 69. Last evaluated: 2023-04-11. Review status: criteria provided, single submitter. Criteria: ACMG Guidelines, 2015. Collection method: clinical testing. Allele origin: germline. Affected: no.

GeneDx
Classification: Uncertain significance. Last evaluated: 2021-05-25. Review status: criteria provided, single submitter. Criteria: GeneDx Variant Classification Process June 2021. Collection method: clinical testing. Allele origin: germline. Affected: yes.
Comment: Has not been previously published as pathogenic or benign to our knowledge; Not observed in large population cohorts (Lek et al., 2016); In silico analysis supports that this missense variant has a deleterious effect on protein structure/function